The following is an entry in ClinVar:

NM_003079.5(SMARCE1):c.1196C>T (p.Pro399Leu)

Gene: SMARCE1 (SWI/SNF related BAF chromatin remodeling complex subunit E1; minus strand). Cytogenetic location: 17q21.2.
Variant type: single nucleotide variant.
Coding change: c.1196C>T on transcript NM_003079.5 (MANE Select); coding-DNA position 1196, C replaced by T.
Protein change: p.Pro399Leu; replaces proline 399 with leucine.
Molecular consequence: missense variant.
Genome position (GRCh38, 1-based): chr17:40,628,825, G>A on the plus strand (C>T on the coding strand, the complement: SMARCE1 is on the minus strand). VCF-style: chr17-40628825-G-A. GRCh37 (hg19) VCF-style: chr17-38785077-G-A.
Other names: c.1196C>T (NM_003079.4); short protein forms P399L.
Identifiers: ClinVar variation 1361984 (VCV001361984.8), dbSNP rs1397941319, ClinGen allele CA399360874.

ClinVar aggregate classification (germline): Conflicting classifications of pathogenicity. Review status: criteria provided, conflicting classifications (1 of 4 stars). 2 submissions from 2 submitters: Uncertain significance (1); Likely benign (1). Last evaluated 2025-12-09.

Conditions:
Hereditary cancer-predisposing syndrome. Also called: Tumor predisposition; Hereditary neoplastic syndrome; Neoplastic Syndromes, Hereditary; Hereditary Cancer Syndrome. Identifiers: Orphanet 140162, MedGen C0027672, MeSH D009386, MONDO:0015356.
Familial meningioma. Also called: Meningioma, familial, susceptibility to. Identifiers: Orphanet 263662, MedGen C3551915, MONDO:0011789, OMIM 607174.

Allele frequency attached by ClinVar (database versions not stated): gnomAD exomes below 0.00001 and 0.00001.
gnomAD v4.1: 3 of 1,613,600 alleles (0.00019%); highest among the groups gnomAD compares: Middle Eastern, 0.017%; no homozygotes.

Submissions (2):

Ambry Genetics
Classification: Likely benign for Hereditary cancer-predisposing syndrome. Last evaluated: 2025-12-09. Review status: criteria provided, single submitter. Criteria: Ambry Variant Classification Scheme 2023. Collection method: clinical testing. Allele origin: germline.

Labcorp Genetics (formerly Invitae), Labcorp
Classification: Uncertain significance for Familial meningioma. Last evaluated: 2021-12-11. Review status: criteria provided, single submitter. Criteria: Invitae Variant Classification Sherloc (09022015). Collection method: clinical testing. Allele origin: germline.
Comment: This variant has not been reported in the literature in individuals affected with SMARCE1-related conditions. In summary, the available evidence is currently insufficient to determine the role of this variant in disease. Therefore, it has been classified as a Variant of Uncertain Significance. Algorithms developed to predict the effect of missense changes on protein structure and function are either unavailable or do not agree on the potential impact of this missense change (SIFT: "Tolerated"; PolyPhen-2: "Not Available"; Align-GVGD: "Class C0"). This variant is present in population databases (no rsID available, gnomAD 0.006%). This sequence change replaces proline, which is neutral and non-polar, with leucine, which is neutral and non-polar, at codon 399 of the SMARCE1 protein (p.Pro399Leu).